The following is an entry in ClinVar:

ClinVar aggregate classification (germline): Likely benign (0 of 4 stars; one submission).

Conditions:
CFD-related disorder. Also called: CFD-related condition.

Allele frequency attached by ClinVar (database versions not stated): gnomAD exomes below 0.00001; gnomAD 0.00001; TOPMed 0.00001.
gnomAD v4.1: 8 of 1,563,532 alleles (0.00051%); highest among the groups gnomAD compares: Non-Finnish European, 0.00069%; no homozygotes.

Submission:

PreventionGenetics, part of Exact Sciences
Classification: Likely benign for CFD-related condition. Last evaluated: 2019-09-18. Review status: no assertion criteria provided. Collection method: clinical testing. Allele origin: germline.
Comment: This variant is classified as likely benign based on ACMG/AMP sequence variant interpretation guidelines (Richards et al. 2015 PMID: 25741868, with internal and published modifications).

NM_001928.4(CFD):c.-8G>A

Gene: CFD (complement factor D; plus strand). Cytogenetic location: 19p13.3.
Variant type: single nucleotide variant.
Coding change: c.-8G>A on transcript NM_001928.4 (MANE Select); 8 bases upstream of the start codon, G replaced by A.
Molecular consequence: 5 prime UTR variant.
Genome position (GRCh38, 1-based): chr19:859,682, G>A. VCF-style: chr19-859682-G-A. GRCh37 (hg19) VCF-style: chr19-859682-G-A.
Other names: c.-8G>A (NM_001317335.2).
Identifiers: ClinVar variation 3040763 (VCV003040763.2), dbSNP rs1021408325, ClinGen allele CA303951218.